The following is an entry in ClinVar:

NM_015272.5(RPGRIP1L):c.3607del (p.Tyr1203fs)

Gene: RPGRIP1L (RPGRIP1 like; minus strand). Cytogenetic location: 16q12.2.
Variant type: Deletion.
Coding change: c.3607del on transcript NM_015272.5 (MANE Select); coding-DNA position 3607, one base deleted (T; older notation c.3607delT).
Protein change: p.Tyr1203fs; shifts the reading frame from tyrosine 1203.
Molecular consequence: frameshift variant.
Genome position (GRCh38, 1-based): chr16:53,619,034, A deleted on the plus strand (T on the coding strand, the reverse complement: RPGRIP1L is on the minus strand). VCF-style (leftmost placement, unchanged base first): chr16-53619033-TA-T. GRCh37 (hg19) VCF-style: chr16-53652945-TA-T.
Other names: c.3367del, p.Tyr1123fs (NM_001127897.4); c.3469del, p.Tyr1157fs (NM_001308334.3); c.3505del, p.Tyr1169fs (NM_001330538.2); short protein forms Y1123fs, Y1157fs, Y1169fs, Y1203fs.
Identifiers: ClinVar variation 1069456 (VCV001069456.8), dbSNP rs2150964205, ClinGen allele CA2499223559.

ClinVar aggregate classification (germline): Pathogenic/Likely pathogenic. Review status: criteria provided, multiple submitters, no conflicts (2 of 4 stars). 2 submissions from 2 submitters: Pathogenic (1); Likely pathogenic (1). Last evaluated 2024-10-26.

Conditions:
Joubert syndrome 7 (JBTS7). Identifiers: Orphanet 220497, MedGen C1969053, MONDO:0012694, OMIM 611560.
Meckel syndrome, type 5 (MKS5). Identifiers: Orphanet 564, MedGen C1969052, MONDO:0012695, OMIM 611561.
COACH syndrome 3. Identifiers: MedGen C5436841, MONDO:0030862, OMIM 619113.
Joubert syndrome. Also called: Familial aplasia of the vermis; CEREBELLOPARENCHYMAL DISORDER IV; JOUBERT-BOLTSHAUSER SYNDROME. Identifiers: Orphanet 475, MedGen C5979921, MONDO:0018772.
Meckel-Gruber syndrome. Also called: Dysencephalia splachnocystica; DYSENCEPHALIA SPLANCHNOCYSTICA; GRUBER SYNDROME. Identifiers: Orphanet 564, MedGen C0265215, MONDO:0018921.

Submissions (2):

Labcorp Genetics (formerly Invitae), Labcorp
Classification: Pathogenic for Joubert syndrome; Meckel-Gruber syndrome. Last evaluated: 2024-10-26. Review status: criteria provided, single submitter. Criteria: Invitae Variant Classification Sherloc (09022015). Collection method: clinical testing. Allele origin: germline.
Comment: This sequence change creates a premature translational stop signal (p.Tyr1203Ilefs*4) in the RPGRIP1L gene. It is expected to result in an absent or disrupted protein product. Loss-of-function variants in RPGRIP1L are known to be pathogenic (PMID: 17558409). This variant is not present in population databases (gnomAD no frequency). This variant has not been reported in the literature in individuals affected with RPGRIP1L-related conditions. ClinVar contains an entry for this variant (Variation ID: 1069456). For these reasons, this variant has been classified as Pathogenic.

Fulgent Genetics
Classification: Likely pathogenic for Joubert syndrome 7; Meckel syndrome, type 5; COACH syndrome 3. Last evaluated: 2023-12-29. Review status: criteria provided, single submitter. Criteria: ACMG Guidelines, 2015. Collection method: clinical testing. Allele origin: germline.

Literature cited by the submitters: PubMed 17558409 (cited by Labcorp Genetics (formerly Invitae), Labcorp).